The following is an entry in ClinVar:

ClinVar aggregate classification (germline): Conflicting classifications of pathogenicity. Review status: criteria provided, conflicting classifications (1 of 4 stars). 3 submissions from 3 submitters: Uncertain significance (1); Likely benign (2). Last evaluated 2025-08-04.

Conditions:
Osteogenesis imperfecta type I (OI1). Also called: OI, TYPE I; OSTEOGENESIS IMPERFECTA TARDA; OSTEOGENESIS IMPERFECTA WITH BLUE SCLERAE; Osteogenesis imperfecta type 1; Lobstein's Disease; Lobstein disease. Identifiers: Orphanet 216796, Orphanet 666, MedGen C0023931, MONDO:0008146, OMIM 166200. Disease mechanism: loss of function.
COL1A1-related disorder. Also called: COL1A1- related disease; COL1A1-related condition.

Allele frequency attached by ClinVar (database versions not stated): gnomAD exomes 0.00001 and 0.00006; gnomAD 0.00002; ExAC 0.00007; TOPMed 0.00008.
gnomAD v4.1: 22 of 1,613,808 alleles (0.0014%); highest among the groups gnomAD compares: East Asian, 0.045%; no homozygotes.

Submissions (3):

Labcorp Genetics (formerly Invitae), Labcorp
Classification: Likely benign for Osteogenesis imperfecta type I. Last evaluated: 2025-08-04. Review status: criteria provided, single submitter. Criteria: Invitae Variant Classification Sherloc (09022015). Collection method: clinical testing. Allele origin: germline.

PreventionGenetics, part of Exact Sciences
Classification: Uncertain significance for COL1A1-related condition. Last evaluated: 2025-04-14. Review status: criteria provided, single submitter. Criteria: ACMG Guidelines, 2015. Collection method: clinical testing. Allele origin: germline.
Comment: The COL1A1 c.3595A>G variant is predicted to result in the amino acid substitution p.Ser1199Gly. This variant was reported in an individual with osteogenesis imperfecta I (Zhang et al. 2012. PubMed ID: 21667357). This variant is reported in 0.095% of alleles in individuals of East Asian descent in gnomAD. Although we suspect that this variant may be benign, at this time, the clinical significance of this variant is uncertain due to the absence of conclusive functional and genetic evidence.

GeneDx
Classification: Likely benign. Last evaluated: 2021-04-06. Review status: criteria provided, single submitter. Criteria: GeneDx Variant Classification Process June 2021. Collection method: clinical testing. Allele origin: germline. Affected: yes.
Comment: See Variant Classification Assertion Criteria.

NM_000088.4(COL1A1):c.3595A>G (p.Ser1199Gly)

Gene: COL1A1 (collagen type I alpha 1 chain; minus strand). Cytogenetic location: 17q21.33.
Variant type: single nucleotide variant.
Coding change: c.3595A>G on transcript NM_000088.4 (MANE Select); coding-DNA position 3595, A replaced by G.
Protein change: p.Ser1199Gly; replaces serine 1199 with glycine.
Molecular consequence: missense variant.
Genome position (GRCh38, 1-based): chr17:50,186,859, T>C on the plus strand (A>G on the coding strand, the complement: COL1A1 is on the minus strand). VCF-style: chr17-50186859-T-C. GRCh37 (hg19) VCF-style: chr17-48264220-T-C.
Other names: short protein forms S1199G.
Identifiers: ClinVar variation 1678748 (VCV001678748.6), dbSNP rs776355079, ClinGen allele CA8644390.